The following is an entry in ClinVar:

ClinVar aggregate classification (germline): Uncertain significance (1 of 4 stars; one submission).

Conditions:
Aortic aneurysm, familial thoracic 4 (AAT4). Also called: AORTIC ANEURYSM/AORTIC DISSECTION AND PATENT DUCTUS ARTERIOSUS. Identifiers: MedGen C1851504, MONDO:0007568, OMIM 132900.

Submission:

Labcorp Genetics (formerly Invitae), Labcorp
Classification: Uncertain significance for Aortic aneurysm, familial thoracic 4. Last evaluated: 2024-08-20. Review status: criteria provided, single submitter. Criteria: Invitae Variant Classification Sherloc (09022015). Collection method: clinical testing. Allele origin: germline.
Comment: This sequence change replaces alanine, which is neutral and non-polar, with serine, which is neutral and polar, at codon 31 of the MYH11 protein (p.Ala31Ser). This variant is not present in population databases (gnomAD no frequency). This variant has not been reported in the literature in individuals affected with MYH11-related conditions. An algorithm developed to predict the effect of missense changes on protein structure and function outputs the following: PolyPhen-2: "Benign". The serine amino acid residue is found in multiple mammalian species, which suggests that this missense change does not adversely affect protein function. In summary, the available evidence is currently insufficient to determine the role of this variant in disease. Therefore, it has been classified as a Variant of Uncertain Significance.

NM_002474.3(MYH11):c.91G>T (p.Ala31Ser)

Gene: MYH11 (myosin heavy chain 11; minus strand). Cytogenetic location: 16p13.11.
Variant type: single nucleotide variant.
Coding change: c.91G>T on transcript NM_002474.3 (MANE Select); coding-DNA position 91, G replaced by T.
Protein change: p.Ala31Ser; replaces alanine 31 with serine.
Molecular consequence: missense variant.
Genome position (GRCh38, 1-based): chr16:15,838,162, C>A on the plus strand (G>T on the coding strand, the complement: MYH11 is on the minus strand). VCF-style: chr16-15838162-C-A. GRCh37 (hg19) VCF-style: chr16-15932019-C-A.
Other names: c.91G>T, p.Ala31Ser (NM_001040113.2, NM_001040114.2, NM_022844.3); short protein forms A31S.
Identifiers: ClinVar variation 3686461 (VCV003686461.2).